The following is an entry in ClinVar:

ClinVar aggregate classification (germline): Uncertain significance (1 of 4 stars; one submission).

gnomAD v4.1: 2 of 1,613,740 alleles (0.00012%); highest among the groups gnomAD compares: South Asian, 0.0011%; no homozygotes.

Submission:

Labcorp Genetics (formerly Invitae), Labcorp
Classification: Uncertain significance. Last evaluated: 2025-12-17. Review status: criteria provided, single submitter. Criteria: Invitae Variant Classification Sherloc (09022015). Collection method: clinical testing. Allele origin: germline.
Comment: This sequence change replaces serine, which is neutral and polar, with phenylalanine, which is neutral and non-polar, at codon 2909 of the FREM2 protein (p.Ser2909Phe). This variant is present in population databases (rs769340554, gnomAD 0.003%). This variant has not been reported in the literature in individuals affected with FREM2-related conditions. Invitae Evidence Modeling of protein sequence and biophysical properties (such as structural, functional, and spatial information, amino acid conservation, physicochemical variation, residue mobility, and thermodynamic stability) indicates that this missense variant is expected to disrupt FREM2 protein function with a positive predictive value of 80%. In summary, the available evidence is currently insufficient to determine the role of this variant in disease. Therefore, it has been classified as a Variant of Uncertain Significance.

NM_207361.6(FREM2):c.8726C>T (p.Ser2909Phe)

Gene: FREM2 (FRAS1 related extracellular matrix 2; plus strand). Cytogenetic location: 13q13.3.
Variant type: single nucleotide variant.
Coding change: c.8726C>T on transcript NM_207361.6 (MANE Select); coding-DNA position 8726, C replaced by T.
Protein change: p.Ser2909Phe; replaces serine 2909 with phenylalanine.
Molecular consequence: missense variant.
Genome position (GRCh38, 1-based): chr13:38,878,188, C>T. VCF-style: chr13-38878188-C-T. GRCh37 (hg19) VCF-style: chr13-39452325-C-T.
Other names: short protein forms S2909F.
Identifiers: ClinVar variation 4806892 (VCV004806892.1).